The following is an entry in ClinVar:

ClinVar aggregate classification (germline): Uncertain significance (1 of 4 stars; one submission).

Conditions:
Mosaic variegated aneuploidy syndrome 1 (MVA1). Also called: Warburton-Anyane-Yeboa syndrome. Identifiers: Orphanet 1052, MedGen C1850343, MONDO:0009759, OMIM 257300.

Submission:

Labcorp Genetics (formerly Invitae), Labcorp
Classification: Uncertain significance for Mosaic variegated aneuploidy syndrome 1. Last evaluated: 2022-03-15. Review status: criteria provided, single submitter. Criteria: Invitae Variant Classification Sherloc (09022015). Collection method: clinical testing. Allele origin: germline.
Comment: This variant is not present in population databases (gnomAD no frequency). In summary, the available evidence is currently insufficient to determine the role of this variant in disease. Therefore, it has been classified as a Variant of Uncertain Significance. Variants that disrupt the consensus splice site are a relatively common cause of aberrant splicing (PMID: 17576681, 9536098). Algorithms developed to predict the effect of sequence changes on RNA splicing suggest that this variant is not likely to affect RNA splicing. This variant has not been reported in the literature in individuals affected with BUB1B-related conditions. This sequence change falls in intron 16 of the BUB1B gene. It does not directly change the encoded amino acid sequence of the BUB1B protein. It affects a nucleotide within the consensus splice site.

Literature cited by the submitters: PubMed 17576681; PubMed 9536098.

NM_001211.6(BUB1B):c.2143+4G>C

Gene: BUB1B (BUB1 mitotic checkpoint serine/threonine kinase B; plus strand). Cytogenetic location: 15q15.1.
Variant type: single nucleotide variant.
Coding change: c.2143+4G>C on transcript NM_001211.6 (MANE Select); 4 bases into the intron after coding-DNA position 2143, G replaced by C.
Molecular consequence: intron variant.
Genome position (GRCh38, 1-based): chr15:40,208,774, G>C. VCF-style: chr15-40208774-G-C. GRCh37 (hg19) VCF-style: chr15-40500975-G-C.
Identifiers: ClinVar variation 2419598 (VCV002419598.6), dbSNP rs2542569897, ClinGen allele CA2580089347.